The following is an entry in ClinVar:

NM_001395891.1(CLASP1):c.3166A>G (p.Lys1056Glu)

Gene: CLASP1 (cytoplasmic linker associated protein 1; minus strand). Cytogenetic location: 2q14.2.
Variant type: single nucleotide variant.
Coding change: c.3166A>G on transcript NM_001395891.1 (MANE Select); coding-DNA position 3166, A replaced by G.
Protein change: p.Lys1056Glu; replaces lysine 1056 with glutamic acid.
Molecular consequence: missense variant.
Genome position (GRCh38, 1-based): chr2:121,397,160, T>C on the plus strand (A>G on the coding strand, the complement: CLASP1 is on the minus strand). VCF-style: chr2-121397160-T-C. GRCh37 (hg19) VCF-style: chr2-122154736-T-C.
Other names: c.3043A>G, p.Lys1015Glu (NM_001142273.2); c.3019A>G, p.Lys1007Glu (NM_001142274.2); c.3037A>G, p.Lys1013Glu (NM_001207051.2, NM_001378005.1); c.3124A>G, p.Lys1042Glu (NM_001378003.1); c.3016A>G, p.Lys1006Glu (NM_001378004.1); c.3103A>G, p.Lys1035Glu (NM_015282.3); short protein forms K1006E, K1007E, K1013E, K1015E, K1035E, K1042E, K1056E.
Identifiers: ClinVar variation 2633759 (VCV002633759.1), dbSNP rs2468008449, ClinGen allele CA348173846.

ClinVar aggregate classification (germline): Uncertain significance (1 of 4 stars; one submission).

Conditions:
CLASP1-related disorder. Also called: CLASP1-related condition.

Submission:

PreventionGenetics, part of Exact Sciences
Classification: Uncertain significance for CLASP1-related condition. Last evaluated: 2023-03-31. Review status: criteria provided, single submitter. Criteria: ACMG Guidelines, 2015. Collection method: clinical testing. Allele origin: germline.
Comment: The CLASP1 c.3103A>G variant is predicted to result in the amino acid substitution p.Lys1035Glu. To our knowledge, this variant has not been reported in the literature or in a large population database, indicating this variant is rare. At this time, the clinical significance of this variant is uncertain due to the absence of conclusive functional and genetic evidence.